The following is an entry in ClinVar:

ClinVar aggregate classification (germline): Uncertain significance (1 of 4 stars; one submission).

gnomAD v4.1: 1 of 1,600,504 alleles (0.000062%); highest among the groups gnomAD compares: Non-Finnish European, 0.000085%; no homozygotes.

Submission:

CeGaT Center for Human Genetics Tuebingen
Classification: Uncertain significance. Last evaluated: 2026-06-01. Review status: criteria provided, single submitter. Criteria: CeGaT Center For Human Genetics Tuebingen Variant Classification Criteria Version 2. Collection method: clinical testing. Allele origin: germline. Affected: yes. Observed: 1 variant allele.
Comment: DNA2: PM2, BP4

NM_001080449.3(DNA2):c.64C>T (p.Pro22Ser)

Gene: DNA2 (DNA replication helicase/nuclease 2; minus strand). Cytogenetic location: 10q21.3.
Variant type: single nucleotide variant.
Coding change: c.64C>T on transcript NM_001080449.3 (MANE Select); coding-DNA position 64, C replaced by T.
Protein change: p.Pro22Ser; replaces proline 22 with serine.
Molecular consequence: missense variant. On other transcripts: non-coding transcript variant (1).
Genome position (GRCh38, 1-based): chr10:68,471,801, G>A on the plus strand (C>T on the coding strand, the complement: DNA2 is on the minus strand). VCF-style: chr10-68471801-G-A. GRCh37 (hg19) VCF-style: chr10-70231558-G-A.
Other names: short protein forms P22S.
Identifiers: ClinVar variation 4875213 (VCV004875213.2).